The following is an entry in ClinVar:

NM_006031.6(PCNT):c.9375A>G (p.Ala3125=)

Gene: PCNT (pericentrin; plus strand). Cytogenetic location: 21q22.3.
Variant type: single nucleotide variant.
Coding change: c.9375A>G on transcript NM_006031.6 (MANE Select); coding-DNA position 9375, A replaced by G.
Protein change: p.Ala3125=; no amino-acid change (alanine 3125 retained).
Molecular consequence: synonymous variant.
Genome position (GRCh38, 1-based): chr21:46,440,184, A>G. VCF-style: chr21-46440184-A-G. GRCh37 (hg19) VCF-style: chr21-47860097-A-G.
Other names: c.8784A>G, p.Ala2928= (NM_001315529.2); c.9375A>G (NM_006031.5).
Identifiers: ClinVar variation 2780937 (VCV002780937.4), dbSNP rs763005533, ClinGen allele CA10081304.

ClinVar aggregate classification (germline): Likely benign. Review status: criteria provided, multiple submitters, no conflicts (2 of 4 stars). 2 submissions from 2 submitters: Likely benign (2). Last evaluated 2026-04-14.

Conditions:
PCNT-related disorder. Also called: PCNT-related condition.

Allele frequency attached by ClinVar (database versions not stated): gnomAD exomes below 0.00001; TOPMed 0.00001; ExAC 0.00002; gnomAD 0.00002.
gnomAD v4.1: 5 of 1,614,028 alleles (0.00031%); highest among the groups gnomAD compares: African/African-American, 0.004%; no homozygotes.

Submissions (2):

PreventionGenetics, part of Exact Sciences
Classification: Likely benign for PCNT-related condition. Last evaluated: 2026-04-14. Review status: criteria provided, single submitter. Criteria: ACMG Guidelines, 2015. Collection method: clinical testing. Allele origin: germline.
Comment: This variant is classified as likely benign based on ACMG/AMP sequence variant interpretation guidelines (Richards et al. 2015 PMID: 25741868, with internal and published modifications).

Labcorp Genetics (formerly Invitae), Labcorp
Classification: Likely benign. Last evaluated: 2023-10-13. Review status: criteria provided, single submitter. Criteria: Invitae Variant Classification Sherloc (09022015). Collection method: clinical testing. Allele origin: germline.